The following is an entry in ClinVar:

NM_000089.4(COL1A2):c.2485G>A (p.Gly829Ser)

Gene: COL1A2 (collagen type I alpha 2 chain; plus strand). Cytogenetic location: 7q21.3.
Variant type: single nucleotide variant.
Coding change: c.2485G>A on transcript NM_000089.4 (MANE Select); coding-DNA position 2485, G replaced by A.
Protein change: p.Gly829Ser; replaces glycine 829 with serine.
Molecular consequence: missense variant.
Genome position (GRCh38, 1-based): chr7:94,423,038, G>A. VCF-style: chr7-94423038-G-A. GRCh37 (hg19) VCF-style: chr7-94052350-G-A.
Other names: short protein forms G829S.
Identifiers: ClinVar variation 3900084 (VCV003900084.2).

ClinVar aggregate classification (germline): Pathogenic/Likely pathogenic. Review status: criteria provided, multiple submitters, no conflicts (2 of 4 stars). 2 submissions from 2 submitters: Pathogenic (1); Likely pathogenic (1). Last evaluated 2025-12-22.

Conditions:
COL1A2-related disorder. Also called: COL1A2-related condition; COL1A2-Related Disorders.

Submissions (2):

3billion
Classification: Likely pathogenic for COL1A2-related disorder. Last evaluated: 2025-12-22. Review status: criteria provided, single submitter. Criteria: ACMG Guidelines, 2015. Collection method: clinical testing. Allele origin: germline. Affected: yes.
Comment: The variant is not observed in the gnomAD v4.1.0 dataset. Predicted Consequence/Location: Missense variant. Missense changes are a common disease-causing mechanism. In silico tool predictions suggest damaging effect of the variant on gene or gene product [REVEL: 0.99 (>=0.6, sensitivity 0.68 and specificity 0.92); 3Cnet: 0.99 (> 0.75, sensitivity 0.96 and precision 0.92)]. The same nucleotide change resulting in the same amino acid change has been previously reported to be associated with COL1A2-related disorder (ClinVar ID: VCV003900084 /PMID: 17078022). A different missense change at the same codon (p.Gly829Asp) has been reported to be associated with COL1A2-related disorder (ClinVar ID: VCV002572880 /PMID: 35627109). Therefore, this variant is classified as Likely pathogenic according to the recommendation of ACMG/AMP guideline.

GeneDx
Classification: Pathogenic. Last evaluated: 2024-11-25. Review status: criteria provided, single submitter. Criteria: GeneDx Variant Classification Process June 2021. Collection method: clinical testing. Allele origin: germline. Affected: yes.
Comment: Occurs in the triple helical domain and replaces a glycine in a canonical Gly-X-Y repeat; missense substitution of a canonical glycine residue is expected to disrupt normal protein folding and function, and this is an established mechanism of disease; Not observed at significant frequency in large population cohorts (gnomAD); In silico analysis supports that this missense variant has a deleterious effect on protein structure/function; This variant is associated with the following publications: (PMID: 34007986, 17078022, 37270749)

Literature cited by the submitters: PubMed 35627109 (cited by 3billion); PubMed 17078022 (cited by 3billion).